The following is an entry in ClinVar:

ClinVar aggregate classification (germline): Uncertain significance. Review status: criteria provided, multiple submitters, no conflicts (2 of 4 stars). 5 submissions from 5 submitters: Uncertain significance (5). Last evaluated 2025-09-23.

Conditions:
Catecholaminergic polymorphic ventricular tachycardia (CVPT). Also called: Catecholamine-induced polymorphic ventricular tachycardia. Identifiers: Orphanet 3286, MedGen C5574922, MONDO:0017990.
Cardiomyopathy (CMYO). Also called: Cardiomyopathies. Identifiers: Orphanet 167848, MedGen C0878544, MONDO:0004994, HP:0001638. Inheritance: Various modes of inheritance.
Catecholaminergic polymorphic ventricular tachycardia 1. Also called: VENTRICULAR TACHYCARDIA, CATECHOLAMINERGIC POLYMORPHIC, 1, WITH OR WITHOUT ATRIAL DYSFUNCTION AND/OR DILATED CARDIOMYOPATHY; VENTRICULAR TACHYCARDIA, STRESS-INDUCED POLYMORPHIC 1; RYR2-Related Catecholaminergic Polymorphic Ventricular Tachycardia. Identifiers: Orphanet 3286, MedGen C1631597, MONDO:0011484, OMIM 604772.
Cardiovascular phenotype. Identifiers: MedGen CN230736.

gnomAD v4.1: 55 of 1,610,876 alleles (0.0034%); highest among the groups gnomAD compares: Non-Finnish European, 0.0046%; no homozygotes.

Submissions (5):

Labcorp Genetics (formerly Invitae), Labcorp
Classification: Uncertain significance for Catecholaminergic polymorphic ventricular tachycardia 1. Last evaluated: 2025-09-23. Review status: criteria provided, single submitter. Criteria: Invitae Variant Classification Sherloc (09022015). Collection method: clinical testing. Allele origin: germline.
Comment: This sequence change replaces proline, which is neutral and non-polar, with leucine, which is neutral and non-polar, at codon 3544 of the RYR2 protein (p.Pro3544Leu). This variant is present in population databases (rs752032924, gnomAD 0.002%). This variant has not been reported in the literature in individuals affected with RYR2-related conditions. ClinVar contains an entry for this variant (Variation ID: 926773). Invitae Evidence Modeling of protein sequence and biophysical properties (such as structural, functional, and spatial information, amino acid conservation, physicochemical variation, residue mobility, and thermodynamic stability) indicates that this missense variant is not expected to disrupt RYR2 protein function with a negative predictive value of 95%. In summary, the available evidence is currently insufficient to determine the role of this variant in disease. Therefore, it has been classified as a Variant of Uncertain Significance.

All of Us Research Program, National Institutes of Health
Classification: Uncertain significance for Catecholaminergic polymorphic ventricular tachycardia. Last evaluated: 2024-08-06. Review status: criteria provided, single submitter. Criteria: ACMG Guidelines, 2015. Collection method: clinical testing. Allele origin: germline. Inheritance: Autosomal dominant inheritance. Observed: 10 variant alleles, 10 heterozygotes.
Comment: This missense variant replaces proline with leucine at codon 3544 of the RYR2 protein. Computational prediction is inconclusive regarding the impact of this variant on protein structure and function (internally defined REVEL score threshold 0.5 < inconclusive < 0.7, PMID: 27666373). To our knowledge, functional studies have not been reported for this variant. This variant has not been reported in individuals affected with cardiovascular disorders in the literature. This variant has been identified in 3/248936 chromosomes in the general population by the Genome Aggregation Database (gnomAD). The available evidence is insufficient to determine the role of this variant in disease conclusively. Therefore, this variant is classified as a Variant of Uncertain Significance.

This study involves interpretation of variants in research participants for the purpose of population health screening. Participant phenotype was not available at the time of variant classification. Additional details can be found in publication PMID: 35346344, PMCID: PMC8962531

GeneDx
Classification: Uncertain significance. Last evaluated: 2024-07-03. Review status: criteria provided, single submitter. Criteria: GeneDx Variant Classification Process June 2021. Collection method: clinical testing. Allele origin: germline. Affected: yes.
Comment: Has not been previously published as pathogenic or benign to our knowledge; Not observed at significant frequency in large population cohorts (gnomAD); Not located in one of the three hot-spot regions of the RYR2 gene, where the majority of pathogenic missense variants occur (PMID: 19926015); In silico analysis supports that this missense variant has a deleterious effect on protein structure/function; This variant is associated with the following publications: (PMID: 19926015)

Color Diagnostics, LLC DBA Color Health
Classification: Uncertain significance for Cardiomyopathy. Last evaluated: 2024-05-03. Review status: criteria provided, single submitter. Criteria: ACMG Guidelines, 2015. Collection method: clinical testing. Allele origin: germline.
Comment: This missense variant replaces proline with leucine at codon 3544 of the RYR2 protein. Computational prediction is inconclusive regarding the impact of this variant on protein structure and function. To our knowledge, functional studies have not been reported for this variant. This variant has not been reported in individuals affected with cardiovascular disorders in the literature. This variant has been identified in 3/248936 chromosomes in the general population by the Genome Aggregation Database (gnomAD). The available evidence is insufficient to determine the role of this variant in disease conclusively. Therefore, this variant is classified as a Variant of Uncertain Significance.

Ambry Genetics
Classification: Uncertain significance for Cardiovascular phenotype. Last evaluated: 2020-10-14. Review status: criteria provided, single submitter. Criteria: Ambry Variant Classification Scheme 2023. Collection method: clinical testing. Allele origin: germline.
Comment: The p.P3544L variant (also known as c.10631C>T), located in coding exon 74 of the RYR2 gene, results from a C to T substitution at nucleotide position 10631. The proline at codon 3544 is replaced by leucine, an amino acid with similar properties. This variant has been detected in an exome sequencing cohort; however, details were limited (Landstrom AP et al. Circ Arrhythm Electrophysiol, 2017 Apr;10:). This amino acid position is highly conserved in available vertebrate species. In addition, this alteration is predicted to be deleterious by in silico analysis. Since supporting evidence is limited at this time, the clinical significance of this alteration remains unclear.

Literature cited by the submitters: PubMed 28404607 (cited by Ambry Genetics).

NM_001035.3(RYR2):c.10631C>T (p.Pro3544Leu)

Gene: RYR2 (ryanodine receptor 2; plus strand). Cytogenetic location: 1q43.
Variant type: single nucleotide variant.
Coding change: c.10631C>T on transcript NM_001035.3 (MANE Select); coding-DNA position 10631, C replaced by T.
Protein change: p.Pro3544Leu; replaces proline 3544 with leucine.
Molecular consequence: missense variant.
Genome position (GRCh38, 1-based): chr1:237,723,204, C>T. VCF-style: chr1-237723204-C-T. GRCh37 (hg19) VCF-style: chr1-237886504-C-T.
Other names: c.10631C>T (NM_001035.2); short protein forms P3544L.
Identifiers: ClinVar variation 926773 (VCV000926773.19), dbSNP rs752032924, ClinGen allele CA084428.